The following is an entry in ClinVar:

ClinVar aggregate classification (germline): Uncertain significance (1 of 4 stars; one submission).

Conditions:
Cardiomyopathy (CMYO). Also called: Cardiomyopathies. Identifiers: Orphanet 167848, MedGen C0878544, MONDO:0004994, HP:0001638. Inheritance: Various modes of inheritance.

Submission:

Color Diagnostics, LLC DBA Color Health
Classification: Uncertain significance for Cardiomyopathy. Last evaluated: 2025-06-29. Review status: criteria provided, single submitter. Criteria: ACMG Guidelines, 2015. Collection method: clinical testing. Allele origin: germline.
Comment: This missense variant replaces valine with isoleucine at codon 269 of the RYR2 protein. Computational prediction suggests that this variant may not impact protein structure and function. To our knowledge, functional studies have not been reported for this variant. This variant has not been reported in individuals affected with RYR2-related disorders in the literature. This variant has not been identified in the general population by the Genome Aggregation Database (gnomAD). The available evidence is insufficient to determine the role of this variant in disease conclusively. Therefore, this variant is classified as a Variant of Uncertain Significance.

NM_001035.3(RYR2):c.805G>A (p.Val269Ile)

Gene: RYR2 (ryanodine receptor 2; plus strand). Cytogenetic location: 1q43.
Variant type: single nucleotide variant.
Coding change: c.805G>A on transcript NM_001035.3 (MANE Select); coding-DNA position 805, G replaced by A.
Protein change: p.Val269Ile; replaces valine 269 with isoleucine.
Molecular consequence: missense variant.
Genome position (GRCh38, 1-based): chr1:237,417,080, G>A. VCF-style: chr1-237417080-G-A. GRCh37 (hg19) VCF-style: chr1-237580380-G-A.
Other names: short protein forms V269I.
Identifiers: ClinVar variation 4757181 (VCV004757181.1).